The following is an entry in ClinVar:

ClinVar aggregate classification (germline): Uncertain significance (1 of 4 stars; one submission).

Submission:

Labcorp Genetics (formerly Invitae), Labcorp
Classification: Uncertain significance. Last evaluated: 2023-11-01. Review status: criteria provided, single submitter. Criteria: Invitae Variant Classification Sherloc (09022015). Collection method: clinical testing. Allele origin: germline.
Comment: This variant, c.943_957dup, results in the insertion of 5 amino acid(s) of the ARID1B protein (p.Gly315_Gly319dup), but otherwise preserves the integrity of the reading frame. This variant is not present in population databases (gnomAD no frequency). This variant has not been reported in the literature in individuals affected with ARID1B-related conditions. Experimental studies and prediction algorithms are not available or were not evaluated, and the functional significance of this variant is currently unknown. In summary, the available evidence is currently insufficient to determine the role of this variant in disease. Therefore, it has been classified as a Variant of Uncertain Significance.

NM_001374828.1(ARID1B):c.1192_1206dup (p.Gly402_Ser403insGlyGlyGlyGlyGly)

Gene: ARID1B (AT-rich interaction domain 1B; plus strand). Cytogenetic location: 6q25.3.
Variant type: Duplication.
Coding change: c.1192_1206dup on transcript NM_001374828.1 (MANE Select); coding-DNA positions 1192 to 1206, 15 bases duplicated (GGAGGAGGAGGAGGC).
Protein change: p.Gly402_Ser403insGlyGlyGlyGlyGly.
Molecular consequence: inframe insertion. On other transcripts: inframe indel (3).
Genome position (GRCh38, 1-based): chr6:156,778,872-156,778,886, GGAGGAGGAGGAGGC duplicated; duplicating any 15 consecutive bases within chr6:156,778,869-156,778,886 gives the same sequence; the c. name uses the placement nearest the transcript's 3' end. VCF-style (leftmost placement, unchanged base first): chr6-156778868-C-CGGCGGAGGAGGAGGA. GRCh37 (hg19) VCF-style: chr6-157100002-C-CGGCGGAGGAGGAGGA.
Other names: c.943_957dup, p.Gly319_Ser320insGlyGlyGlyGlyGly (NM_001346813.1, NM_020732.3); c.1192_1206dup, p.Gly402_Ser403insGlyGlyGlyGlyGly (NM_001371656.1, NM_001374820.1, NM_017519.3); c.769_783dup, p.Gly261_Ser262insGlyGlyGlyGlyGly (NM_175863.2).
Identifiers: ClinVar variation 2908687 (VCV002908687.3), dbSNP rs2546833940, ClinGen allele CA2739266203.
Genomic context (GRCh38, chr6:156,778,868, plus strand): 5'-CCAGTGCAACCATTATCCGGGCTACAGCCGGCCCGGCGCGGGCGGCGGCGGCGGCGGCGG[C>CGGCGGAGGAGGAGGA]GGCGGAGGAGGAGGAGGCAGCGGAGGAGGAGGAGGAGGAGGAGGAGCAGGAGCAGGAGGA-3'